The following is an entry in ClinVar:

ClinVar aggregate classification (germline): Uncertain significance (1 of 4 stars; one submission).

gnomAD v4.1: 3 of 1,614,040 alleles (0.00019%); highest among the groups gnomAD compares: African/African-American, 0.0027%; no homozygotes.

Submission:

Ambry Genetics
Classification: Uncertain significance. Last evaluated: 2025-02-04. Review status: criteria provided, single submitter. Criteria: Ambry Variant Classification Scheme 2023. Collection method: clinical testing. Allele origin: germline.
Comment: The p.P596L variant (also known as c.1787C>T), located in coding exon 9 of the ATRIP gene, results from a C to T substitution at nucleotide position 1787. The proline at codon 596 is replaced by leucine, an amino acid with similar properties. This amino acid position is conserved. In addition, this alteration is predicted to be tolerated by in silico analysis. Based on the available evidence, the clinical significance of this variant remains unclear.

NM_130384.3(ATRIP):c.1787C>T (p.Pro596Leu)

Genes: ATRIP (ATR interacting protein; plus strand), ATRIP-TREX1 (ATRIP-TREX1 readthrough; plus strand). Cytogenetic location: 3p21.31.
Variant type: single nucleotide variant.
Coding change: c.1787C>T on transcript NM_130384.3 (MANE Select); coding-DNA position 1787, C replaced by T.
Protein change: p.Pro596Leu; replaces proline 596 with leucine.
Molecular consequence: missense variant. On other transcripts: non-coding transcript variant (1).
Genome position (GRCh38, 1-based): chr3:48,463,786, C>T. VCF-style: chr3-48463786-C-T. GRCh37 (hg19) VCF-style: chr3-48505185-C-T.
Other names: c.1406C>T, p.Pro469Leu (NM_001271022.2); c.1508C>T, p.Pro503Leu (NM_001271023.2); c.1787C>T, p.Pro596Leu (NM_032166.4); short protein forms P596L, P503L, P469L.
Identifiers: ClinVar variation 3810442 (VCV003810442.1).